The following is an entry in ClinVar:

ClinVar aggregate classification (germline): Uncertain significance (1 of 4 stars; one submission).

Submission:

Ambry Genetics
Classification: Uncertain significance. Last evaluated: 2021-12-11. Review status: criteria provided, single submitter. Criteria: Ambry Variant Classification Scheme 2023. Collection method: clinical testing. Allele origin: germline.
Comment: The p.K39T variant (also known as c.116A>C), located in coding exon 1 of the TERF2IP gene, results from an A to C substitution at nucleotide position 116. The lysine at codon 39 is replaced by threonine, an amino acid with similar properties. This amino acid position is conserved. In addition, the in silico prediction for this alteration is inconclusive. Since supporting evidence is limited at this time, the clinical significance of this alteration remains unclear.

NM_018975.4(TERF2IP):c.116A>C (p.Lys39Thr)

Gene: TERF2IP (TERF2 interacting protein; plus strand). Cytogenetic location: 16q23.1.
Variant type: single nucleotide variant.
Coding change: c.116A>C on transcript NM_018975.4 (MANE Select); coding-DNA position 116, A replaced by C.
Protein change: p.Lys39Thr; replaces lysine 39 with threonine.
Molecular consequence: missense variant. On other transcripts: non-coding transcript variant (1).
Genome position (GRCh38, 1-based): chr16:75,647,998, A>C. VCF-style: chr16-75647998-A-C. GRCh37 (hg19) VCF-style: chr16-75681896-A-C.
Other names: short protein forms K39T.
Identifiers: ClinVar variation 1739038 (VCV001739038.2), dbSNP rs2507072509, ClinGen allele CA396817261.